The following is an entry in ClinVar:

NM_015662.3(IFT172):c.4108G>A (p.Glu1370Lys)

Gene: IFT172 (intraflagellar transport 172; minus strand). Cytogenetic location: 2p23.3.
Variant type: single nucleotide variant.
Coding change: c.4108G>A on transcript NM_015662.3 (MANE Select); coding-DNA position 4108, G replaced by A.
Protein change: p.Glu1370Lys; replaces glutamic acid 1370 with lysine.
Molecular consequence: missense variant.
Genome position (GRCh38, 1-based): chr2:27,449,743, C>T on the plus strand (G>A on the coding strand, the complement: IFT172 is on the minus strand). VCF-style: chr2-27449743-C-T. GRCh37 (hg19) VCF-style: chr2-27672610-C-T.
Other names: c.4108G>A (NM_015662.2); short protein forms E1370K.
Identifiers: ClinVar variation 1401879 (VCV001401879.9), dbSNP rs779981992, ClinGen allele CA1579720.

ClinVar aggregate classification (germline): Uncertain significance. Review status: criteria provided, multiple submitters, no conflicts (2 of 4 stars). 3 submissions from 3 submitters: Uncertain significance (2). 1 of the submissions does not count toward it. Last evaluated 2025-07-07.

Conditions:
Retinal dystrophy. Also called: Inherited retinal dystrophy. Identifiers: Orphanet 71862, MedGen C0854723, MeSH D058499, MONDO:0019118, HP:0000556.
IFT172-related disorder. Also called: IFT172-related disorders; IFT172-related condition.
Retinitis pigmentosa 71 (RP71). Identifiers: Orphanet 791, MedGen C4225342, MONDO:0014618, OMIM 616394.
Short-rib thoracic dysplasia 10 with or without polydactyly (SRTD10). Identifiers: Orphanet 474, MedGen C3810175, MONDO:0014284, OMIM 615630.

Allele frequency attached by ClinVar (database versions not stated): TOPMed below 0.00001; gnomAD exomes 0.00001 and 0.00002; ExAC 0.00002; gnomAD 0.00002.
gnomAD v4.1: 23 of 1,614,000 alleles (0.0014%); highest among the groups gnomAD compares: East Asian, 0.029%; no homozygotes.

Submissions (3):

Labcorp Genetics (formerly Invitae), Labcorp
Classification: Uncertain significance for Retinitis pigmentosa 71; Short-rib thoracic dysplasia 10 with or without polydactyly. Last evaluated: 2025-07-07. Review status: criteria provided, single submitter. Criteria: Invitae Variant Classification Sherloc (09022015). Collection method: clinical testing. Allele origin: germline.
Comment: This sequence change replaces glutamic acid, which is acidic and polar, with lysine, which is basic and polar, at codon 1370 of the IFT172 protein (p.Glu1370Lys). This variant is present in population databases (rs779981992, gnomAD 0.03%). This variant has not been reported in the literature in individuals affected with IFT172-related conditions. ClinVar contains an entry for this variant (Variation ID: 1401879). Invitae Evidence Modeling of protein sequence and biophysical properties (such as structural, functional, and spatial information, amino acid conservation, physicochemical variation, residue mobility, and thermodynamic stability) indicates that this missense variant is not expected to disrupt IFT172 protein function with a negative predictive value of 95%. In summary, the available evidence is currently insufficient to determine the role of this variant in disease. Therefore, it has been classified as a Variant of Uncertain Significance.

Dept Of Ophthalmology, Nagoya University
Classification: Uncertain significance for Retinal dystrophy. Last evaluated: 2023-10-01. Review status: criteria provided, single submitter. Criteria: Submitter's publication. Collection method: research. Allele origin: germline. Affected: yes.

PreventionGenetics, part of Exact Sciences
Classification: Uncertain significance for IFT172-related condition. Last evaluated: 2024-02-08. Review status: no assertion criteria provided. Collection method: clinical testing. Allele origin: germline. Not counted in ClinVar's aggregate classification.
Comment: The IFT172 c.4108G>A variant is predicted to result in the amino acid substitution p.Glu1370Lys. This variant, along with another truncating variant in IFT172, has been reported in an individual with chronic kidney disease (Sakakibara et al. 2022. PubMed ID: 35140360). This variant is reported in 0.030% of alleles in individuals of East Asian descent in gnomAD. At this time, the clinical significance of this variant is uncertain due to the absence of conclusive functional and genetic evidence.